The following is an entry in ClinVar:

NM_000051.4(ATM):c.5640G>T (p.Thr1880=)

Gene: ATM (ATM serine/threonine kinase; plus strand). Cytogenetic location: 11q22.3.
Variant type: single nucleotide variant.
Coding change: c.5640G>T on transcript NM_000051.4 (MANE Select); coding-DNA position 5640, G replaced by T.
Protein change: p.Thr1880=; no amino-acid change (threonine 1880 retained).
Molecular consequence: synonymous variant.
Genome position (GRCh38, 1-based): chr11:108,304,818, G>T. VCF-style: chr11-108304818-G-T. GRCh37 (hg19) VCF-style: chr11-108175545-G-T.
Other names: c.5640G>T, p.Thr1880= (NM_001351834.2).
Identifiers: ClinVar variation 506341 (VCV000506341.10), dbSNP rs757103582, ClinGen allele CA476675181.

ClinVar aggregate classification (germline): Benign/Likely benign. Review status: criteria provided, multiple submitters, no conflicts (2 of 4 stars). 4 submissions from 4 submitters: Benign (1); Likely benign (3). Last evaluated 2025-08-29.

Conditions:
Hereditary cancer-predisposing syndrome. Also called: Hereditary Cancer Syndrome; Tumor predisposition; Neoplastic Syndromes, Hereditary; Hereditary neoplastic syndrome. Identifiers: Orphanet 140162, MedGen C0027672, MeSH D009386, MONDO:0015356.
Familial cancer of breast. Also called: BREAST CANCER, FAMILIAL; Hereditary breast cancer; hereditary breast carcinoma. Identifiers: Orphanet 227535, MedGen C0346153, MONDO:0016419, OMIM 114480. Disease mechanism: loss of function.
Ataxia-telangiectasia syndrome (AT). Also called: Cerebello-oculocutaneous telangiectasia; Immunodeficiency with ataxia telangiectasia; AT, COMPLEMENTATION GROUP C; Ataxia-telangiectasia, complementation group D; LOUIS-BAR SYNDROME; Ataxia-telangiectasia, complementation group E. Identifiers: Orphanet 100, MedGen C0004135, MONDO:0008840, OMIM 208900.

Submissions (4):

Ambry Genetics
Classification: Likely benign for Hereditary cancer-predisposing syndrome. Last evaluated: 2025-08-29. Review status: criteria provided, single submitter. Criteria: Ambry Variant Classification Scheme 2023. Collection method: clinical testing. Allele origin: germline.

Myriad Genetics, Inc.
Classification: Benign for Familial cancer of breast. Last evaluated: 2024-05-23. Review status: criteria provided, single submitter. Criteria: Myriad Autosomal Dominant, Autosomal Recessive and X-Linked Classification Criteria (2023). Collection method: clinical testing. Allele origin: unknown.
Comment: This variant is considered benign. This variant is a silent/synonymous amino acid change and it is not expected to impact splicing.

Labcorp Genetics (formerly Invitae), Labcorp
Classification: Likely benign for Ataxia-telangiectasia syndrome. Last evaluated: 2023-01-24. Review status: criteria provided, single submitter. Criteria: Invitae Variant Classification Sherloc (09022015). Collection method: clinical testing. Allele origin: germline.

GeneDx
Classification: Likely benign. Last evaluated: 2018-01-19. Review status: criteria provided, single submitter. Criteria: GeneDx Variant Classification (06012015). Collection method: clinical testing. Allele origin: germline. Affected: yes.
Comment: This variant is considered likely benign or benign based on one or more of the following criteria: it is a conservative change, it occurs at a poorly conserved position in the protein, it is predicted to be benign by multiple in silico algorithms, and/or has population frequency not consistent with disease.